The following is an entry in ClinVar:

ClinVar aggregate classification (germline): Benign/Likely benign. Review status: criteria provided, multiple submitters, no conflicts (2 of 4 stars). 6 submissions from 6 submitters: Benign (3); Likely benign (3). Last evaluated 2026-02-01.

Conditions:
Inborn genetic diseases. Identifiers: MedGen C0950123, MeSH D030342.
Mosaic variegated aneuploidy syndrome 1 (MVA1). Also called: Warburton-Anyane-Yeboa syndrome. Identifiers: Orphanet 1052, MedGen C1850343, MONDO:0009759, OMIM 257300.

Allele frequency attached by ClinVar (database versions not stated): gnomAD exomes 0.00044 and 0.00091; ESP Exome Variant Server 0.00054; gnomAD 0.00059; ExAC 0.00073; TOPMed 0.00087.
gnomAD v4.1: 791 of 1,612,716 alleles (0.049%); highest among the groups gnomAD compares: Admixed American, 0.09%; 6 homozygotes.

Submissions (8):

Labcorp Genetics (formerly Invitae), Labcorp
Classification: Benign for Mosaic variegated aneuploidy syndrome 1. Last evaluated: 2026-02-01. Review status: criteria provided, single submitter. Criteria: Invitae Variant Classification Sherloc (09022015). Collection method: clinical testing. Allele origin: germline.

CeGaT Center for Human Genetics Tuebingen
Classification: Likely benign. Last evaluated: 2025-11-01. Review status: criteria provided, single submitter. Criteria: CeGaT Center For Human Genetics Tuebingen Variant Classification Criteria Version 2. Collection method: clinical testing. Allele origin: germline. Affected: yes. Observed: 1 variant allele.
Comment: BUB1B: BP4, BS2

Dasa
Classification: Benign. Last evaluated: 2025-10-29. Review status: criteria provided, single submitter. Criteria: DASA Assertion Criteria. Collection method: clinical testing. Allele origin: germline.
Comment: NM_001211.6(BUB1B):c.180-3C>T is interpreted as benign based on a combination of available evidence, which may include population frequency, observations in unaffected individuals, intact protein function, lack of segregation with disease, in silico models, amino acid conservation, lack of disease association in case-control studies, and/or inconsistency with the known disease mechanism or impacted region. Based on the available data, this variant is classified as benign.

Mayo Clinic Laboratories, Mayo Clinic
Classification: Likely benign. Last evaluated: 2025-04-22. Review status: criteria provided, single submitter. Criteria: ACMG Guidelines, 2015. Collection method: clinical testing. Allele origin: germline. Observed: 2 variant alleles.
Comment: BS1, BP4, BP7

Blueprint Genetics
Classification: Likely benign. Last evaluated: 2024-10-18. Review status: criteria provided, single submitter. Criteria: ACMG Guidelines, 2015. Collection method: clinical testing. Allele origin: germline.

Ambry Genetics
Classification: Benign for Inborn genetic diseases. Last evaluated: 2021-03-18. Review status: criteria provided, single submitter. Criteria: Ambry Variant Classification Scheme 2023. Collection method: clinical testing. Allele origin: germline.

Dr. Peter K. Rogan Lab, Western University
No classification provided (evidence only). Condition: Cholangiocarcinoma. Review status: no classification provided. Collection method: in vitro. Allele origin: not applicable. Functional consequence: retained intron. Not counted in ClinVar's aggregate classification.

Dr. Peter K. Rogan Lab, Western University
No classification provided (evidence only). Condition: Uterine carcinosarcoma. Review status: no classification provided. Collection method: in vitro. Allele origin: not applicable. Functional consequence: retained intron. Not counted in ClinVar's aggregate classification.

NM_001211.6(BUB1B):c.180-3C>T

Gene: BUB1B (BUB1 mitotic checkpoint serine/threonine kinase B; plus strand). Cytogenetic location: 15q15.1.
Variant type: single nucleotide variant.
Coding change: c.180-3C>T on transcript NM_001211.6 (MANE Select); 3 bases into the intron before coding-DNA position 180, C replaced by T.
Molecular consequence: intron variant.
Genome position (GRCh38, 1-based): chr15:40,170,059, C>T. VCF-style: chr15-40170059-C-T. GRCh37 (hg19) VCF-style: chr15-40462260-C-T.
Other names: p.?.
Identifiers: ClinVar variation 403738 (VCV000403738.22), dbSNP rs200483866, ClinGen allele CA7475403.